The following is an entry in ClinVar:

NM_001042492.3(NF1):c.7063-1_7087dup

Gene: NF1 (neurofibromin 1; plus strand). Cytogenetic location: 17q11.2.
Variant type: Duplication.
Coding change: c.7063-1_7087dup on transcript NM_001042492.3 (MANE Select); the canonical splice acceptor site of the intron before coding-DNA position 7063 through coding-DNA position 7087, 26 bases duplicated (GAGTCCAGAGGAAGTATTTATGGCAA).
Molecular consequence: splice acceptor variant.
Genome position (GRCh38, 1-based): chr17:31,343,008-31,343,033, GAGTCCAGAGGAAGTATTTATGGCAA duplicated; duplicating any 26 consecutive bases within chr17:31,343,007-31,343,033 gives the same sequence; the c. name uses the placement nearest the transcript's 3' end. VCF-style (leftmost placement, unchanged base first): chr17-31343006-T-TAGAGTCCAGAGGAAGTATTTATGGCA. GRCh37 (hg19) VCF-style: chr17-29670024-T-TAGAGTCCAGAGGAAGTATTTATGGCA.
Other names: c.7000-1_7024dup (NM_000267.4).
Identifiers: ClinVar variation 1071802 (VCV001071802.5), dbSNP rs2151564939, ClinGen allele CA2499224213.

ClinVar aggregate classification (germline): Pathogenic (1 of 4 stars; one submission).

Conditions:
Neurofibromatosis, type 1 (NF1). Also called: VON RECKLINGHAUSEN DISEASE; Peripheral type neurofibromatosis; NEUROFIBROMATOSIS, TYPE I, SOMATIC; Neurofibromatosis, type I. Identifiers: Orphanet 636, MedGen C0027831, MONDO:0018975, OMIM 162200. Disease mechanism: loss of function.

Submission:

Labcorp Genetics (formerly Invitae), Labcorp
Classification: Pathogenic for Neurofibromatosis, type 1. Last evaluated: 2022-09-01. Review status: criteria provided, single submitter. Criteria: Invitae Variant Classification Sherloc (09022015). Collection method: clinical testing. Allele origin: germline.
Comment: This variant has not been reported in the literature in individuals affected with NF1-related conditions. This variant is not present in population databases (gnomAD no frequency). This sequence change creates a premature translational stop signal (p.Ile2342Argfs*42) in the NF1 gene. It is expected to result in an absent or disrupted protein product. Loss-of-function variants in NF1 are known to be pathogenic (PMID: 10712197, 23913538). ClinVar contains an entry for this variant (Variation ID: 1071802). For these reasons, this variant has been classified as Pathogenic. Algorithms developed to predict the effect of sequence changes on RNA splicing suggest that this variant may disrupt the consensus splice site.

Literature cited by the submitters: PubMed 10712197; PubMed 23913538.